The following is an entry in ClinVar:

NM_032217.5(ANKRD17):c.6642_6646del (p.Pro2215fs)

Gene: ANKRD17 (ankyrin repeat domain 17; minus strand). Cytogenetic location: 4q13.3.
Variant type: Deletion.
Coding change: c.6642_6646del on transcript NM_032217.5 (MANE Select); coding-DNA positions 6642 to 6646, 5 bases deleted (TCCCT; older notation c.6642_6646delTCCCT).
Protein change: p.Pro2215fs; shifts the reading frame from proline 2215.
Molecular consequence: frameshift variant.
Genome position (GRCh38, 1-based): chr4:73,090,982-73,090,986, AGGGA deleted on the plus strand (TCCCT on the coding strand, the reverse complement: ANKRD17 is on the minus strand); deleting any 5 consecutive bases within chr4:73,090,982-73,090,987 gives the same sequence; the c. name uses the placement nearest the transcript's 3' end. VCF-style (leftmost placement, unchanged base first): chr4-73090981-GAGGGA-G. GRCh37 (hg19) VCF-style: chr4-73956698-GAGGGA-G.
Other names: c.6303_6307del, p.Pro2102fs (NM_001286771.3); c.6639_6643del, p.Pro2214fs (NM_015574.2); c.5889_5893del, p.Pro1964fs (NM_198889.3); short protein forms P1964fs, P2102fs, P2214fs, P2215fs.
Identifiers: ClinVar variation 3901051 (VCV003901051.1).
Genomic context (GRCh38, chr4:73,090,981, plus strand): 5'-GGATGTACTGAATTCTGACAAGCACTTTGTGTACTTAAGGTCGAAGGTAGCTGGACAGAA[GAGGGA>G]ACACTGTGAGGTCTTTTAATGTGATTGACACTGAGGACTGCAACAGATGAATTTTGCACT-3'

ClinVar aggregate classification (germline): Likely pathogenic (1 of 4 stars; one submission).

Conditions:
Chopra-Amiel-Gordon syndrome (CAGS). Also called: ANKRD17-Related Neurodevelopmental Syndrome. Identifiers: MedGen C5561975, MONDO:0859186, OMIM 619504.

Submission:

Laboratorio de Genetica e Diagnostico Molecular, Hospital Israelita Albert Einstein
Classification: Likely pathogenic for Chopra-Amiel-Gordon syndrome. Last evaluated: 2024-06-24. Review status: criteria provided, single submitter. Criteria: ACMG Guidelines, 2015. Collection method: clinical testing. Allele origin: germline. Affected: yes.
Comment: ACMG classification criteria: PVS1 very strong, PM2 supporting